The following is an entry in ClinVar:

NM_002439.5(MSH3):c.446G>T (p.Ser149Ile)

Gene: MSH3 (mutS homolog 3; plus strand). Cytogenetic location: 5q14.1.
Variant type: single nucleotide variant.
Coding change: c.446G>T on transcript NM_002439.5 (MANE Select); coding-DNA position 446, G replaced by T.
Protein change: p.Ser149Ile; replaces serine 149 with isoleucine.
Molecular consequence: missense variant.
Genome position (GRCh38, 1-based): chr5:80,665,230, G>T. VCF-style: chr5-80665230-G-T. GRCh37 (hg19) VCF-style: chr5-79961049-G-T.
Other names: short protein forms S149I.
Identifiers: ClinVar variation 1740823 (VCV001740823.2), dbSNP rs924517772, ClinGen allele CA360263469.

ClinVar aggregate classification (germline): Uncertain significance (1 of 4 stars; one submission).

Conditions:
Hereditary cancer-predisposing syndrome. Also called: Hereditary Cancer Syndrome; Hereditary neoplastic syndrome; Neoplastic Syndromes, Hereditary; Tumor predisposition. Identifiers: Orphanet 140162, MedGen C0027672, MeSH D009386, MONDO:0015356.

Submission:

Ambry Genetics
Classification: Uncertain significance for Hereditary cancer-predisposing syndrome. Last evaluated: 2020-08-10. Review status: criteria provided, single submitter. Criteria: Ambry Variant Classification Scheme 2023. Collection method: clinical testing. Allele origin: germline.
Comment: The p.S149I variant (also known as c.446G>T), located in coding exon 3 of the MSH3 gene, results from a G to T substitution at nucleotide position 446. The serine at codon 149 is replaced by isoleucine, an amino acid with dissimilar properties. This amino acid position is poorly conserved in available vertebrate species. In addition, this alteration is predicted to be tolerated by in silico analysis. Since supporting evidence is limited at this time, the clinical significance of this alteration remains unclear.